The following is an entry in ClinVar:

NM_005548.3(KARS1):c.498A>G (p.Glu166=)

Gene: KARS1 (lysyl-tRNA synthetase 1; minus strand). Cytogenetic location: 16q23.1.
Variant type: single nucleotide variant.
Coding change: c.498A>G on transcript NM_005548.3 (MANE Select); coding-DNA position 498, A replaced by G.
Protein change: p.Glu166=; no amino-acid change (glutamic acid 166 retained).
Molecular consequence: synonymous variant.
Genome position (GRCh38, 1-based): chr16:75,636,083, T>C on the plus strand (A>G on the coding strand, the complement: KARS1 is on the minus strand). VCF-style: chr16-75636083-T-C. GRCh37 (hg19) VCF-style: chr16-75669981-T-C.
Other names: c.582A>G, p.Glu194= (NM_001130089.2); c.30A>G, p.Glu10= (NM_001378148.1).
Identifiers: ClinVar variation 1916887 (VCV001916887.7), dbSNP rs376047196, ClinGen allele CA8177590.

ClinVar aggregate classification (germline): Likely benign. Review status: criteria provided, single submitter (1 of 4 stars). 2 submissions from 2 submitters: Likely benign (1). 1 of the submissions does not count toward it. Last evaluated 2023-07-03.

Conditions:
KARS1-related disorder. Also called: KARS1-related disorders.

Allele frequency attached by ClinVar (database versions not stated): ESP Exome Variant Server 0.00008; TOPMed 0.00004; gnomAD 0.00005; gnomAD exomes 0.00005; ExAC 0.00006.
gnomAD v4.1: 84 of 1,581,042 alleles (0.0053%); highest among the groups gnomAD compares: Non-Finnish European, 0.0067%; 1 homozygote.

Submissions (2):

Labcorp Genetics (formerly Invitae), Labcorp
Classification: Likely benign. Last evaluated: 2023-07-03. Review status: criteria provided, single submitter. Criteria: Invitae Variant Classification Sherloc (09022015). Collection method: clinical testing. Allele origin: germline.

PreventionGenetics, part of Exact Sciences
Classification: Likely benign for KARS1-related condition. Last evaluated: 2019-03-28. Review status: no assertion criteria provided. Collection method: clinical testing. Allele origin: germline. Not counted in ClinVar's aggregate classification.
Comment: This variant is classified as likely benign based on ACMG/AMP sequence variant interpretation guidelines (Richards et al. 2015 PMID: 25741868, with internal and published modifications).